The following is an entry in ClinVar:

ClinVar aggregate classification (germline): Uncertain significance (1 of 4 stars; one submission).

Conditions:
Adenylosuccinate lyase deficiency (ADSLD). Also called: ADSL DEFICIENCY. Identifiers: Orphanet 46, MedGen C0268126, MONDO:0007068, OMIM 103050.

Submission:

Labcorp Genetics (formerly Invitae), Labcorp
Classification: Uncertain significance for Adenylosuccinate lyase deficiency. Last evaluated: 2022-03-04. Review status: criteria provided, single submitter. Criteria: Invitae Variant Classification Sherloc (09022015). Collection method: clinical testing. Allele origin: germline.
Comment: In summary, the available evidence is currently insufficient to determine the role of this variant in disease. Therefore, it has been classified as a Variant of Uncertain Significance. Experimental studies and prediction algorithms are not available or were not evaluated, and the functional significance of this variant is currently unknown. This variant has not been reported in the literature in individuals affected with ADSL-related conditions. This variant is not present in population databases (gnomAD no frequency). This variant occurs in a non-coding region of the ADSL gene. It does not change the encoded amino acid sequence of the ADSL protein.

NC_000022.11:g.40345982A>C

Gene: ADSL (adenylosuccinate lyase; plus strand). Cytogenetic location: 22q13.1.
Variant type: single nucleotide variant.
Genome position: GRCh38 VCF-style: chr22-40345982-A-C. GRCh37 (hg19) VCF-style: chr22-40741986-A-C.
Identifiers: ClinVar variation 2104773 (VCV002104773.5), dbSNP rs2518075154, ClinGen allele CA2580099829.